The following is an entry in ClinVar:

ClinVar aggregate classification (germline): Uncertain significance. Review status: criteria provided, multiple submitters, no conflicts (2 of 4 stars). 2 submissions from 2 submitters: Uncertain significance (2). Last evaluated 2026-01-07.

Conditions:
Microcephalic osteodysplastic primordial dwarfism type II (MOPD2). Also called: MOPD II; OSTEODYSPLASTIC PRIMORDIAL DWARFISM, TYPE II; Microcephalic osteodysplastic primordial dwarfism with tooth abnormalities. Identifiers: Orphanet 2637, MedGen C0432246, MONDO:0008872, OMIM 210720.
PCNT-related disorder. Also called: PCNT-related condition.

Allele frequency attached by ClinVar (database versions not stated): gnomAD exomes below 0.00001.
gnomAD v4.1: 2 of 1,614,104 alleles (0.00012%); highest among the groups gnomAD compares: Non-Finnish European, 0.00017%; no homozygotes.

Submissions (2):

PreventionGenetics, part of Exact Sciences
Classification: Uncertain significance for PCNT-related condition. Last evaluated: 2026-01-07. Review status: criteria provided, single submitter. Criteria: ACMG Guidelines, 2015. Collection method: clinical testing. Allele origin: germline.
Comment: The PCNT c.8114G>T variant is predicted to result in the amino acid substitution p.Cys2705Phe. To our knowledge, this variant has not been reported in the literature or in a large population database (gnomAD), indicating this variant is rare. At this time, the clinical significance of this variant is uncertain due to the absence of conclusive functional and genetic evidence.

Revvity Omics, Revvity
Classification: Uncertain significance for Microcephalic osteodysplastic primordial dwarfism type II. Last evaluated: 2022-09-16. Review status: criteria provided, single submitter. Criteria: ACMG Guidelines, 2015. Collection method: clinical testing. Allele origin: germline.

NM_006031.6(PCNT):c.8114G>T (p.Cys2705Phe)

Gene: PCNT (pericentrin; plus strand). Cytogenetic location: 21q22.3.
Variant type: single nucleotide variant.
Coding change: c.8114G>T on transcript NM_006031.6 (MANE Select); coding-DNA position 8114, G replaced by T.
Protein change: p.Cys2705Phe; replaces cysteine 2705 with phenylalanine.
Molecular consequence: missense variant.
Genome position (GRCh38, 1-based): chr21:46,431,578, G>T. VCF-style: chr21-46431578-G-T. GRCh37 (hg19) VCF-style: chr21-47851492-G-T.
Other names: c.8114G>T (NM_006031.5); c.7760G>T, p.Cys2587Phe (NM_001315529.2); short protein forms C2587F, C2705F.
Identifiers: ClinVar variation 2434612 (VCV002434612.4), dbSNP rs2519010379, ClinGen allele CA410572495.
Genomic context (GRCh38, chr21:46,431,578, plus strand): 5'-TTGCTGTCTAGGAGCTGCGGGCGTCTTTGGAGACACAGCGTGCTCAGAGCAGTCGACTCT[G>T]CGTGGCACTGAAACACGAGCAGACGGCCAAGGACAACCTGCAGAAGGAGCTGCGTATCGA-3'
Protein context (NP_006022.3, residues 2695-2715): ETQRAQSSRL[Cys2705Phe]VALKHEQTAK